The following is an entry in ClinVar:

ClinVar aggregate classification (germline): Uncertain significance (1 of 4 stars; one submission).

gnomAD v4.1: 1 of 1,614,172 alleles (0.000062%); highest among the groups gnomAD compares: Non-Finnish European, 0.000085%; no homozygotes.

Submission:

GeneDx
Classification: Uncertain significance. Last evaluated: 2026-02-23. Review status: criteria provided, single submitter. Criteria: GeneDx Variant Classification Process June 2021. Collection method: clinical testing. Allele origin: germline.
Comment: Not observed at significant frequency in large population cohorts (gnomAD); In silico analysis suggests that this missense variant does not alter protein structure/function; Has not been previously published as pathogenic or benign to our knowledge

NM_006445.4(PRPF8):c.6874A>G (p.Met2292Val)

Gene: PRPF8 (pre-mRNA processing factor 8; minus strand). Cytogenetic location: 17p13.3.
Variant type: single nucleotide variant.
Coding change: c.6874A>G on transcript NM_006445.4 (MANE Select); coding-DNA position 6874, A replaced by G.
Protein change: p.Met2292Val; replaces methionine 2292 with valine.
Molecular consequence: missense variant.
Genome position (GRCh38, 1-based): chr17:1,650,936, T>C on the plus strand (A>G on the coding strand, the complement: PRPF8 is on the minus strand). VCF-style: chr17-1650936-T-C. GRCh37 (hg19) VCF-style: chr17-1554230-T-C.
Other names: short protein forms M2292V.
Identifiers: ClinVar variation 5010066 (VCV005010066.1).
Genomic context (GRCh38, chr17:1,650,936, plus strand): 5'-AGGGCCTGTGCACCTCGTGGTAGAACTCTTTGGGGTTCGCCAGCTGTAGCTCATATTTCA[T>C]GTTGGGGTCATGCCGAACACCTTCGGGGAGAAGGAAACAGCCAATGTTAACAGGGCTCCT-3'
Protein context (NP_006436.3, residues 2282-2302): NFMGVRHDPN[Met2292Val]KYELQLANPK